The following is an entry in ClinVar:

ClinVar aggregate classification (germline): Uncertain significance (1 of 4 stars; one submission).

Conditions:
Hereditary cancer-predisposing syndrome. Also called: Tumor predisposition; Neoplastic Syndromes, Hereditary; Hereditary Cancer Syndrome; Hereditary neoplastic syndrome. Identifiers: Orphanet 140162, MedGen C0027672, MeSH D009386, MONDO:0015356.

Submission:

Ambry Genetics
Classification: Uncertain significance for Hereditary cancer-predisposing syndrome. Last evaluated: 2022-10-17. Review status: criteria provided, single submitter. Criteria: Ambry Variant Classification Scheme 2023. Collection method: clinical testing. Allele origin: germline.
Comment: The c.307T>G variant (also known as p.S103A), located in coding exon 3 of the CDC73 gene, results from a T to G substitution at nucleotide position 307. The amino acid change results in serine to alanine at codon 103, an amino acid with similar properties. This amino acid position is highly conserved in available vertebrate species. In addition, this alteration is predicted to be tolerated by in silico analysis. Since supporting evidence is limited at this time, the clinical significance of this alteration remains unclear.

NM_024529.5(CDC73):c.307T>G (p.Ser103Ala)

Gene: CDC73 (cell division cycle 73; plus strand). Cytogenetic location: 1q31.2.
Variant type: single nucleotide variant.
Coding change: c.307T>G on transcript NM_024529.5 (MANE Select); coding-DNA position 307, T replaced by G.
Protein change: p.Ser103Ala; replaces serine 103 with alanine.
Molecular consequence: missense variant.
Genome position (GRCh38, 1-based): chr1:193,130,243, T>G. VCF-style: chr1-193130243-T-G. GRCh37 (hg19) VCF-style: chr1-193099373-T-G.
Other names: short protein forms S103A.
Identifiers: ClinVar variation 1727362 (VCV001727362.2), dbSNP rs1675671751, ClinGen allele CA343973419.